The following is an entry in ClinVar:

ClinVar aggregate classification (germline): Uncertain significance. Review status: criteria provided, multiple submitters, no conflicts (2 of 4 stars). 3 submissions from 3 submitters: Uncertain significance (2). 1 of the submissions does not count toward it. Last evaluated 2026-01-26.

Conditions:
ZNF423-related disorder. Also called: ZNF423-related condition.
Nephronophthisis 14 (NPHP14). Identifiers: Orphanet 2318, MedGen C3539071, MONDO:0013916, OMIM 614844.

Allele frequency attached by ClinVar (database versions not stated): gnomAD exomes 0.00012; TOPMed 0.00012; ExAC 0.00013; gnomAD 0.00017; ESP Exome Variant Server 0.00046.
gnomAD v4.1: 548 of 1,614,064 alleles (0.034%); highest among the groups gnomAD compares: Non-Finnish European, 0.045%; no homozygotes.

Submissions (3):

Labcorp Genetics (formerly Invitae), Labcorp
Classification: Uncertain significance for Nephronophthisis 14. Last evaluated: 2026-01-26. Review status: criteria provided, single submitter. Criteria: Invitae Variant Classification Sherloc (09022015). Collection method: clinical testing. Allele origin: germline.
Comment: This sequence change replaces isoleucine, which is neutral and non-polar, with valine, which is neutral and non-polar, at codon 627 of the ZNF423 protein (p.Ile627Val). This variant is present in population databases (rs142414666, gnomAD 0.03%). This variant has not been reported in the literature in individuals affected with ZNF423-related conditions. ClinVar contains an entry for this variant (Variation ID: 861217). Invitae Evidence Modeling of protein sequence and biophysical properties (such as structural, functional, and spatial information, amino acid conservation, physicochemical variation, residue mobility, and thermodynamic stability) indicates that this missense variant is not expected to disrupt ZNF423 protein function with a negative predictive value of 80%. In summary, the available evidence is currently insufficient to determine the role of this variant in disease. Therefore, it has been classified as a Variant of Uncertain Significance.

Ambry Genetics
Classification: Uncertain significance. Last evaluated: 2022-05-27. Review status: criteria provided, single submitter. Criteria: Ambry Variant Classification Scheme 2023. Collection method: clinical testing. Allele origin: germline.

PreventionGenetics, part of Exact Sciences
Classification: Uncertain significance for ZNF423-related condition. Last evaluated: 2024-04-29. Review status: no assertion criteria provided. Collection method: clinical testing. Allele origin: germline. Not counted in ClinVar's aggregate classification.
Comment: The ZNF423 c.1879A>G variant is predicted to result in the amino acid substitution p.Ile627Val. To our knowledge, this variant has not been reported in the literature. This variant is reported in 0.024% of alleles in individuals of European (Non-Finnish) descent in gnomAD. At this time, the clinical significance of this variant is uncertain due to the absence of conclusive functional and genetic evidence.

NM_001379286.1(ZNF423):c.1903A>G (p.Ile635Val)

Gene: ZNF423 (zinc finger protein 423; minus strand). Cytogenetic location: 16q12.1.
Variant type: single nucleotide variant.
Coding change: c.1903A>G on transcript NM_001379286.1 (MANE Select); coding-DNA position 1903, A replaced by G.
Protein change: p.Ile635Val; replaces isoleucine 635 with valine.
Molecular consequence: missense variant.
Genome position (GRCh38, 1-based): chr16:49,637,273, T>C on the plus strand (A>G on the coding strand, the complement: ZNF423 is on the minus strand). VCF-style: chr16-49637273-T-C. GRCh37 (hg19) VCF-style: chr16-49671184-T-C.
Other names: c.1699A>G, p.Ile567Val (NM_001271620.2); c.1528A>G, p.Ile510Val (NM_001330533.2); c.1879A>G, p.Ile627Val (NM_015069.5); c.1879A>G (NM_015069.2, NM_015069.4); short protein forms I567V, I510V, I627V, I635V.
Identifiers: ClinVar variation 861217 (VCV000861217.8), dbSNP rs142414666, ClinGen allele CA8046602.